The following is an entry in ClinVar:

NM_174936.4(PCSK9):c.1696T>C (p.Trp566Arg)

Gene: PCSK9 (proprotein convertase subtilisin/kexin type 9; plus strand). Cytogenetic location: 1p32.3.
Variant type: single nucleotide variant.
Coding change: c.1696T>C on transcript NM_174936.4 (MANE Select); coding-DNA position 1696, T replaced by C.
Protein change: p.Trp566Arg; replaces tryptophan 566 with arginine.
Molecular consequence: missense variant.
Genome position (GRCh38, 1-based): chr1:55,061,389, T>C. VCF-style: chr1-55061389-T-C. GRCh37 (hg19) VCF-style: chr1-55527062-T-C.
Other names: c.1819T>C, p.Trp607Arg (NM_001407240.1); c.1738T>C, p.Trp580Arg (NM_001407241.1); c.1699T>C, p.Trp567Arg (NM_001407242.1); c.1639T>C, p.Trp547Arg (NM_001407243.1); c.1522T>C, p.Trp508Arg (NM_001407244.1); c.1504T>C, p.Trp502Arg (NM_001407245.1); c.1321T>C, p.Trp441Arg (NM_001407246.1); c.1195T>C, p.Trp399Arg (NM_001407247.1); short protein forms W566R, W502R, W567R, W399R, W547R, W580R, W441R, W508R.
Identifiers: ClinVar variation 1172364 (VCV001172364.5), dbSNP rs111563724, ClinGen allele CA038591.

ClinVar aggregate classification (germline): Uncertain significance. Review status: criteria provided, multiple submitters, no conflicts (2 of 4 stars). 2 submissions from 2 submitters: Uncertain significance (2). Last evaluated 2025-02-18.

Conditions:
Familial hypercholesterolemia. Also called: Familial hypercholesterolaemia; Familial hypercholesterolemias. Identifiers: MedGen C0020445, MONDO:0005439.
Hypercholesterolemia, autosomal dominant, 3 (FHCL3). Also called: Familial hypercholesterolemia 3; Familial Hypercholesterolemia, Autosomal Dominant, 3; PCSK9-Related Familial Hypercholesterolemia, Autosomal Dominant. Identifiers: MedGen C1863551, MONDO:0011369, OMIM 603776.

Allele frequency attached by ClinVar (database versions not stated): gnomAD 0.00001 and 0.00003; TOPMed 0.00001; gnomAD exomes 0.00002.
gnomAD v4.1: 31 of 1,608,848 alleles (0.0019%); highest among the groups gnomAD compares: Middle Eastern, 0.018%; no homozygotes.

Submissions (2):

Color Diagnostics, LLC DBA Color Health
Classification: Uncertain significance for Familial hypercholesterolemia. Last evaluated: 2025-02-18. Review status: criteria provided, single submitter. Criteria: ACMG Guidelines, 2015. Collection method: clinical testing. Allele origin: germline.
Comment: This missense variant replaces tryptophan with arginine at codon 566 of the PCSK9 protein. Computational prediction suggests that this variant may not impact protein structure and function. To our knowledge, functional studies have not been reported for this variant. This variant has been reported in two individuals affected with familial hypercholesterolemia as well as in five healthy control individuals (PMID: 33147992). This variant has not been identified in the general population by the Genome Aggregation Database (gnomAD). The available evidence is insufficient to determine the role of this variant in disease conclusively. Therefore, this variant is classified as a Variant of Uncertain Significance.

All of Us Research Program, National Institutes of Health
Classification: Uncertain significance for Hypercholesterolemia, autosomal dominant, 3. Last evaluated: 2023-08-15. Review status: criteria provided, single submitter. Criteria: ACMG Guidelines, 2015. Collection method: clinical testing. Allele origin: germline. Inheritance: Autosomal dominant inheritance. Observed: 1 variant allele, 1 heterozygote.
Comment: This missense variant replaces tryptophan with arginine at codon 566 of the PCSK9 protein. Computational prediction suggests that this variant may not impact protein structure and function (internally defined REVEL score threshold <= 0.5, PMID: 27666373). To our knowledge, functional studies have not been reported for this variant. This variant has not been reported in individuals affected with familial hypercholesterolemia in the literature. This variant has not been identified in the general population by the Genome Aggregation Database (gnomAD). The available evidence is insufficient to determine the role of this variant in disease conclusively. Therefore, this variant is classified as a Variant of Uncertain Significance.

This study involves interpretation of variants in research participants for the purpose of population health screening. Participant phenotype was not available at the time of variant classification. Additional details can be found in publication PMID: 35346344, PMCID: PMC8962531

Literature cited by the submitters: PubMed 33147992 (cited by Color Diagnostics, LLC DBA Color Health).